The following is an entry in ClinVar:

NM_000290.4(PGAM2):c.266A>C (p.Glu89Ala)

Genes: DBNL (drebrin like; plus strand), PGAM2 (phosphoglycerate mutase 2; minus strand), LOC129998343 (ATAC-STARR-seq lymphoblastoid active region 25926; plus strand). Cytogenetic location: 7p13.
Variant type: single nucleotide variant.
Coding change: c.266A>C on transcript NM_000290.4 (MANE Select); coding-DNA position 266, A replaced by C.
Protein change: p.Glu89Ala; replaces glutamic acid 89 with alanine.
Molecular consequence: missense variant. On other transcripts: 3 prime UTR variant (6).
Genome position (GRCh38, 1-based): chr7:44,065,264, T>G on the plus strand (A>C on the coding strand, the complement: PGAM2 is on the minus strand). VCF-style: chr7-44065264-T-G. GRCh37 (hg19) VCF-style: chr7-44104863-T-G.
Other names: c.*4348T>G (NM_001014436.3, NM_001122956.2, NM_001284313.2 and 3 more transcripts); short protein forms E89A.
Identifiers: ClinVar variation 419 (VCV000000419.4), dbSNP rs104894030, ClinGen allele CA114260.

ClinVar aggregate classification (germline): Conflicting classifications of pathogenicity. Review status: criteria provided, conflicting classifications (1 of 4 stars). 3 submissions from 3 submitters: Likely pathogenic (1); Uncertain significance (1). 1 of the submissions does not count toward it. Last evaluated 2022-11-22.

Conditions:
Glycogen storage disease type X (GSD10). Also called: MYOPATHY DUE TO PHOSPHOGLYCERATE MUTASE DEFICIENCY; Glycogen storage disease due to phosphoglycerate mutase deficiency; PGAMM DEFICIENCY; PHOSPHOGLYCERATE MUTASE, MUSCLE, DEFICIENCY OF; Dimauro disease; GSD X. Identifiers: Orphanet 97234, MedGen C0268149, MONDO:0009865, OMIM 261670.

Allele frequency attached by ClinVar (database versions not stated): ExAC 0.00004; gnomAD exomes 0.00004 and 0.00007; TOPMed 0.00005; gnomAD 0.00007.
gnomAD v4.1: 114 of 1,613,686 alleles (0.0071%); highest among the groups gnomAD compares: Non-Finnish European, 0.0094%; no homozygotes.

Submissions (3):

Women's Health and Genetics/Laboratory Corporation of America, LabCorp
Classification: Likely pathogenic for Glycogen storage disease type X. Last evaluated: 2022-11-22. Review status: criteria provided, single submitter. Criteria: LabCorp Variant Classification Summary - May 2015. Collection method: clinical testing. Allele origin: germline.
Comment: Variant summary: PGAM2 c.266A>C (p.Glu89Ala) results in a non-conservative amino acid change in the encoded protein sequence. Five of five in-silico tools predict a damaging effect of the variant on protein function. The variant allele was found at a frequency of 3.9e-05 in 282502 control chromosomes (gnomAD). c.266A>C has been reported in the literature in at least one compound heterozygous individual affected with Glycogen Storage Disease (Tsujino_1993). This patient carried a nonsense variant in trans, and enzyme activity assays using muscle biopsies from this patient demonstrated the patient had 2.6% residual PGAM activity (Tsujino_1993). No clinical diagnostic laboratories have submitted clinical-significance assessments for this variant to ClinVar after 2014. Based on the evidence outlined above, the variant was classified as likely pathogenic.

Labcorp Genetics (formerly Invitae), Labcorp
Classification: Uncertain significance for Glycogen storage disease type X. Last evaluated: 2022-07-26. Review status: criteria provided, single submitter. Criteria: Invitae Variant Classification Sherloc (09022015). Collection method: clinical testing. Allele origin: germline.
Comment: This sequence change replaces glutamic acid, which is acidic and polar, with alanine, which is neutral and non-polar, at codon 89 of the PGAM2 protein (p.Glu89Ala). This variant is present in population databases (rs104894030, gnomAD 0.009%). This missense change has been observed in individual(s) with glycogen storage disease (PMID: 8447317). ClinVar contains an entry for this variant (Variation ID: 419). Algorithms developed to predict the effect of missense changes on protein structure and function (SIFT, PolyPhen-2, Align-GVGD) all suggest that this variant is likely to be disruptive. In summary, the available evidence is currently insufficient to determine the role of this variant in disease. Therefore, it has been classified as a Variant of Uncertain Significance.

OMIM
Classification: Pathogenic for GLYCOGEN STORAGE DISEASE X. Last evaluated: 1993-03-01. Review status: no assertion criteria provided. Collection method: literature only. Allele origin: germline. Not counted in ClinVar's aggregate classification.

Literature cited by the submitters: PubMed 8447317 (cited by 3 submitters).